The following is an entry in ClinVar:

NM_000268.4(NF2):c.1105A>G (p.Met369Val)

Gene: NF2 (NF2, moesin-ezrin-radixin like (MERLIN) tumor suppressor; plus strand). Cytogenetic location: 22q12.2.
Variant type: single nucleotide variant.
Coding change: c.1105A>G on transcript NM_000268.4 (MANE Select); coding-DNA position 1105, A replaced by G.
Protein change: p.Met369Val; replaces methionine 369 with valine.
Molecular consequence: missense variant. On other transcripts: non-coding transcript variant (1), intron variant (1).
Genome position (GRCh38, 1-based): chr22:29,671,931, A>G. VCF-style: chr22-29671931-A-G. GRCh37 (hg19) VCF-style: chr22-30067920-A-G.
Other names: c.1105A>G, p.Met369Val (NM_016418.5, NM_181825.3, NM_181832.3); c.979A>G, p.Met327Val (NM_181828.3); c.982A>G, p.Met328Val (NM_181829.3); c.856A>G, p.Met286Val (NM_181830.3, NM_181831.3); c.448-22821A>G (NM_181833.3); short protein forms M328V, M327V, M369V, M286V.
Identifiers: ClinVar variation 965974 (VCV000965974.13), dbSNP rs1325119842, ClinGen allele CA411147161.

ClinVar aggregate classification (germline): Uncertain significance. Review status: criteria provided, multiple submitters, no conflicts (2 of 4 stars). 2 submissions from 2 submitters: Uncertain significance (2). Last evaluated 2025-05-15.

Conditions:
Hereditary cancer-predisposing syndrome. Also called: Tumor predisposition; Hereditary Cancer Syndrome; Neoplastic Syndromes, Hereditary; Hereditary neoplastic syndrome. Identifiers: Orphanet 140162, MedGen C0027672, MeSH D009386, MONDO:0015356.
Neurofibromatosis, type 2 (SWNV). Also called: BILATERAL ACOUSTIC NEUROFIBROMATOSIS; SCHWANNOMATOSIS, VESTIBULAR; NF2-Related Schwannomatosis. Identifiers: Orphanet 637, MedGen C0027832, MONDO:0007039, OMIM 101000. Disease mechanism: loss of function.

Allele frequency attached by ClinVar (database versions not stated): gnomAD exomes below 0.00001; TOPMed below 0.00001.
gnomAD v4.1: 2 of 1,614,232 alleles (0.00012%); highest among the groups gnomAD compares: Non-Finnish European, 0.000085%; no homozygotes.

Submissions (2):

Ambry Genetics
Classification: Uncertain significance for Hereditary cancer-predisposing syndrome. Last evaluated: 2025-05-15. Review status: criteria provided, single submitter. Criteria: Ambry Variant Classification Scheme 2023. Collection method: clinical testing. Allele origin: germline.
Comment: The p.M369V variant (also known as c.1105A>G), located in coding exon 11 of the NF2 gene, results from an A to G substitution at nucleotide position 1105. The methionine at codon 369 is replaced by valine, an amino acid with highly similar properties. This amino acid position is conserved. In addition, this alteration is predicted to be tolerated by in silico analysis. Since supporting evidence is limited at this time, the clinical significance of this alteration remains unclear.

Labcorp Genetics (formerly Invitae), Labcorp
Classification: Uncertain significance for Neurofibromatosis, type 2. Last evaluated: 2024-08-21. Review status: criteria provided, single submitter. Criteria: Invitae Variant Classification Sherloc (09022015). Collection method: clinical testing. Allele origin: germline.
Comment: This sequence change replaces methionine, which is neutral and non-polar, with valine, which is neutral and non-polar, at codon 369 of the NF2 protein (p.Met369Val). This variant is not present in population databases (gnomAD no frequency). This variant has not been reported in the literature in individuals affected with NF2-related conditions. ClinVar contains an entry for this variant (Variation ID: 965974). Invitae Evidence Modeling of protein sequence and biophysical properties (such as structural, functional, and spatial information, amino acid conservation, physicochemical variation, residue mobility, and thermodynamic stability) indicates that this missense variant is not expected to disrupt NF2 protein function with a negative predictive value of 80%. In summary, the available evidence is currently insufficient to determine the role of this variant in disease. Therefore, it has been classified as a Variant of Uncertain Significance.